The following is an entry in ClinVar:

NM_004370.6(COL12A1):c.3857G>A (p.Arg1286His)

Gene: COL12A1 (collagen type XII alpha 1 chain; minus strand). Cytogenetic location: 6q13.
Variant type: single nucleotide variant.
Coding change: c.3857G>A on transcript NM_004370.6 (MANE Select); coding-DNA position 3857, G replaced by A.
Protein change: p.Arg1286His; replaces arginine 1286 with histidine.
Molecular consequence: missense variant.
Genome position (GRCh38, 1-based): chr6:75,152,010, C>T on the plus strand (G>A on the coding strand, the complement: COL12A1 is on the minus strand). VCF-style: chr6-75152010-C-T. GRCh37 (hg19) VCF-style: chr6-75861726-C-T.
Other names: p.Arg1286His; c.365G>A, p.Arg122His (NM_080645.3); short protein forms R1286H, R122H.
Identifiers: ClinVar variation 450114 (VCV000450114.15), dbSNP rs191757914, ClinGen allele CA3893597.

ClinVar aggregate classification (germline): Conflicting classifications of pathogenicity. Review status: criteria provided, conflicting classifications (1 of 4 stars). 4 submissions from 4 submitters: Uncertain significance (3); Likely benign (1). Last evaluated 2026-01-06.

Conditions:
Ullrich congenital muscular dystrophy 2 (UCMD2). Identifiers: Orphanet 75840, MedGen C4225314, MONDO:0014654, OMIM 616470.
Bethlem myopathy 2 (BTHLM2). Identifiers: Orphanet 536516, Orphanet 610, MedGen C4225313, MONDO:0034022, OMIM 616471.

Allele frequency attached by ClinVar (database versions not stated): gnomAD 0.00002 and 0.00004; TOPMed 0.00002; ExAC 0.00006; 1000 Genomes Project 0.00020; 1000 Genomes Project 30x 0.00031.
gnomAD v4.1: 31 of 1,613,698 alleles (0.0019%); highest among the groups gnomAD compares: Middle Eastern, 0.05%; no homozygotes.

Submissions (4):

Labcorp Genetics (formerly Invitae), Labcorp
Classification: Likely benign for Bethlem myopathy 2; Ullrich congenital muscular dystrophy 2. Last evaluated: 2026-01-06. Review status: criteria provided, single submitter. Criteria: Invitae Variant Classification Sherloc (09022015). Collection method: clinical testing. Allele origin: germline.

GeneDx
Classification: Uncertain significance. Last evaluated: 2025-12-17. Review status: criteria provided, single submitter. Criteria: GeneDx Variant Classification Process June 2021. Collection method: clinical testing. Allele origin: germline. Affected: yes.
Comment: Has not been previously published as pathogenic or benign to our knowledge; In silico analysis suggests that this missense variant does not alter protein structure/function.

Mayo Clinic Laboratories, Mayo Clinic
Classification: Uncertain significance. Last evaluated: 2024-08-22. Review status: criteria provided, single submitter. Criteria: ACMG Guidelines, 2015. Collection method: clinical testing. Allele origin: germline. Observed: 2 variant alleles.
Comment: BP4

Fulgent Genetics
Classification: Uncertain significance for Ullrich congenital muscular dystrophy 2; Bethlem myopathy 2. Last evaluated: 2021-10-20. Review status: criteria provided, single submitter. Criteria: ACMG Guidelines, 2015. Collection method: clinical testing. Allele origin: unknown.